The following is an entry in ClinVar:

NM_001923.5(DDB1):c.1162C>T (p.Arg388Trp)

Gene: DDB1 (damage specific DNA binding protein 1; minus strand). Cytogenetic location: 11q12.2.
Variant type: single nucleotide variant.
Coding change: c.1162C>T on transcript NM_001923.5 (MANE Select); coding-DNA position 1162, C replaced by T.
Protein change: p.Arg388Trp; replaces arginine 388 with tryptophan.
Molecular consequence: missense variant.
Genome position (GRCh38, 1-based): chr11:61,321,658, G>A on the plus strand (C>T on the coding strand, the complement: DDB1 is on the minus strand). VCF-style: chr11-61321658-G-A. GRCh37 (hg19) VCF-style: chr11-61089130-G-A.
Other names: short protein forms R388W.
Identifiers: ClinVar variation 3898953 (VCV003898953.1).

ClinVar aggregate classification (germline): Uncertain significance (1 of 4 stars; one submission).

Submission:

GeneDx
Classification: Uncertain significance. Last evaluated: 2024-11-05. Review status: criteria provided, single submitter. Criteria: GeneDx Variant Classification Process June 2021. Collection method: clinical testing. Allele origin: germline. Affected: yes.
Comment: Not observed at significant frequency in large population cohorts (gnomAD); In silico analysis supports that this missense variant has a deleterious effect on protein structure/function; Has not been previously published as pathogenic or benign to our knowledge